The following is an entry in ClinVar:

ClinVar aggregate classification (germline): Pathogenic (1 of 4 stars; one submission).

Conditions:
Glycogen storage disease, type II (IOPD). Also called: CARDIOMEGALIA GLYCOGENICA DIFFUSA; GLYCOGENOSIS, GENERALIZED, CARDIAC FORM; GSD II; Glycogen storage disease type 2; Acid maltase deficiency disease; Aglucosidase alfa. Identifiers: Orphanet 365, MedGen C0017921, MONDO:0009290, OMIM 232300.

Submission:

Labcorp Genetics (formerly Invitae), Labcorp
Classification: Pathogenic for Glycogen storage disease, type II. Last evaluated: 2022-02-24. Review status: criteria provided, single submitter. Criteria: Invitae Variant Classification Sherloc (09022015). Collection method: clinical testing. Allele origin: unknown.
Comment: For these reasons, this variant has been classified as Pathogenic. This variant disrupts a region of the GAA protein in which other variant(s) (p.Tyr928Cys) have been determined to be pathogenic (PMID: 29122469, 33741225). This suggests that this is a clinically significant region of the protein, and that variants that disrupt it are likely to be disease-causing. This variant has not been reported in the literature in individuals affected with GAA-related conditions. This variant results in the deletion of exon 20 and part of exon 19 (c.2777_*3024del) of the GAA gene. While this deletion is not anticipated to lead to nonsense mediated decay, it is expected to alter mRNA translation or result in a truncated protein product.

Literature cited by the submitters: PubMed 29122469; PubMed 33741225.

NC_000017.10:g.(?_78092582)_(78096154_?)del

Gene: GAA (alpha glucosidase; plus strand). Cytogenetic location: 17q25.3.
Variant type: Deletion.
Identifiers: ClinVar variation 3242838 (VCV003242838.1).